The following is an entry in ClinVar:

NM_144596.4(TTC8):c.265C>A (p.Arg89Ser)

Gene: TTC8 (tetratricopeptide repeat domain 8; plus strand). Cytogenetic location: 14q31.3.
Variant type: single nucleotide variant.
Coding change: c.265C>A on transcript NM_144596.4 (MANE Select); coding-DNA position 265, C replaced by A.
Protein change: p.Arg89Ser; replaces arginine 89 with serine.
Molecular consequence: missense variant. On other transcripts: 5 prime UTR variant (2), non-coding transcript variant (1).
Genome position (GRCh38, 1-based): chr14:88,839,572, C>A. VCF-style: chr14-88839572-C-A. GRCh37 (hg19) VCF-style: chr14-89305916-C-A.
Other names: c.235C>A, p.Arg79Ser (NM_001288781.1, NM_001366535.2, NM_001366536.2 and 2 more transcripts); c.-328C>A (NM_001288782.1); c.-423C>A (NM_001288783.1); short protein forms R79S, R89S.
Identifiers: ClinVar variation 4991748 (VCV004991748.1).

ClinVar aggregate classification (germline): Uncertain significance (1 of 4 stars; one submission).

Conditions:
TTC8-related disorder. Also called: TTC8-related condition.

Submission:

PreventionGenetics, part of Exact Sciences
Classification: Uncertain significance for TTC8-related condition. Last evaluated: 2026-04-02. Review status: criteria provided, single submitter. Criteria: ACMG Guidelines, 2015. Collection method: clinical testing. Allele origin: germline.
Comment: The TTC8 c.265C>A variant is predicted to result in the amino acid substitution p.Arg89Ser. To our knowledge, this variant has not been reported in the literature or in a large population database (gnomAD), indicating this variant is rare. At this time, the clinical significance of this variant is uncertain due to the absence of conclusive functional and genetic evidence.